The following is an entry in ClinVar:

ClinVar aggregate classification (germline): Uncertain significance (1 of 4 stars; one submission).

Conditions:
Inborn genetic diseases. Identifiers: MedGen C0950123, MeSH D030342.

gnomAD v4.1: 1 of 1,279,070 alleles (0.000078%); highest among the groups gnomAD compares: Non-Finnish European, 0.000099%; no homozygotes.

Submission:

Ambry Genetics
Classification: Uncertain significance for Inborn genetic diseases. Last evaluated: 2025-03-25. Review status: criteria provided, single submitter. Criteria: Ambry Variant Classification Scheme 2023. Collection method: clinical testing. Allele origin: germline.
Comment: The p.R61L variant (also known as c.182G>T), located in coding exon 1 of the SMAD6 gene, results from a G to T substitution at nucleotide position 182. The arginine at codon 61 is replaced by leucine, an amino acid with dissimilar properties. This amino acid position is conserved. In addition, this alteration is predicted to be tolerated by in silico analysis. Based on the available evidence, the clinical significance of this variant remains unclear.

NM_005585.5(SMAD6):c.182G>T (p.Arg61Leu)

Gene: SMAD6 (SMAD family member 6; plus strand). Cytogenetic location: 15q22.31.
Variant type: single nucleotide variant.
Coding change: c.182G>T on transcript NM_005585.5 (MANE Select); coding-DNA position 182, G replaced by T.
Protein change: p.Arg61Leu; replaces arginine 61 with leucine.
Molecular consequence: missense variant. On other transcripts: non-coding transcript variant (1).
Genome position (GRCh38, 1-based): chr15:66,703,440, G>T. VCF-style: chr15-66703440-G-T. GRCh37 (hg19) VCF-style: chr15-66995778-G-T.
Other names: short protein forms R61L.
Identifiers: ClinVar variation 3958356 (VCV003958356.1).